The following is an entry in ClinVar:

ClinVar aggregate classification (germline): Likely benign. Review status: criteria provided, multiple submitters, no conflicts (2 of 4 stars). 3 submissions from 3 submitters: Likely benign (3). Last evaluated 2025-11-01.

Conditions:
Inborn genetic diseases. Identifiers: MedGen C0950123, MeSH D030342.

Allele frequency attached by ClinVar (database versions not stated): TOPMed below 0.00001; gnomAD 0.00001 and 0.00002; gnomAD exomes 0.00003 and 0.00008; ExAC 0.00006; 1000 Genomes Project 30x 0.00016; 1000 Genomes Project 0.00020.
gnomAD v4.1: 40 of 1,614,016 alleles (0.0025%); highest among the groups gnomAD compares: South Asian, 0.038%; no homozygotes.

Submissions (3):

CeGaT Center for Human Genetics Tuebingen
Classification: Likely benign. Last evaluated: 2025-11-01. Review status: criteria provided, single submitter. Criteria: CeGaT Center For Human Genetics Tuebingen Variant Classification Criteria Version 2. Collection method: clinical testing. Allele origin: germline. Affected: yes. Observed: 1 variant allele.
Comment: COL4A1: BS1

Labcorp Genetics (formerly Invitae), Labcorp
Classification: Likely benign. Last evaluated: 2025-03-31. Review status: criteria provided, single submitter. Criteria: Invitae Variant Classification Sherloc (09022015). Collection method: clinical testing. Allele origin: germline.

Ambry Genetics
Classification: Likely benign for Inborn genetic diseases. Last evaluated: 2024-11-09. Review status: criteria provided, single submitter. Criteria: Ambry Variant Classification Scheme 2023. Collection method: clinical testing. Allele origin: germline.

NM_001845.6(COL4A1):c.3008C>T (p.Ala1003Val)

Gene: COL4A1 (collagen type IV alpha 1 chain; minus strand). Cytogenetic location: 13q34.
Variant type: single nucleotide variant.
Coding change: c.3008C>T on transcript NM_001845.6 (MANE Select); coding-DNA position 3008, C replaced by T.
Protein change: p.Ala1003Val; replaces alanine 1003 with valine.
Molecular consequence: missense variant.
Genome position (GRCh38, 1-based): chr13:110,176,474, G>A on the plus strand (C>T on the coding strand, the complement: COL4A1 is on the minus strand). VCF-style: chr13-110176474-G-A. GRCh37 (hg19) VCF-style: chr13-110828821-G-A.
Other names: c.3008C>T (NM_001845.4); short protein forms A1003V.
Identifiers: ClinVar variation 1623556 (VCV001623556.15), dbSNP rs551365970, ClinGen allele CA7047412.
Genomic context (GRCh38, chr13:110,176,474, plus strand): 5'-TCCAGTTTACCTGGCAAGCCCATTCCACCAACAGATCCTTTTGGTCCCGGAAGTCCTGGA[G>A]CACCTGGGGTTCCACTTATACCTGGATCACCTTTAGGTCCTAGAACCATAAAGAAAGCAG-3'
Protein context (NP_001836.3, residues 993-1013): GDPGISGTPG[Ala1003Val]PGLPGPKGSV